The following is an entry in ClinVar:

ClinVar aggregate classification (germline): Uncertain significance. Review status: criteria provided, multiple submitters, no conflicts (2 of 4 stars). 2 submissions from 2 submitters: Uncertain significance (2). Last evaluated 2024-02-01.

Allele frequency attached by ClinVar (database versions not stated): gnomAD exomes below 0.00001 and 0.00001.
gnomAD v4.1: 2 of 1,184,221 alleles (0.00017%); highest among the groups gnomAD compares: Non-Finnish European, 0.00023%; no homozygotes.

Submissions (2):

CeGaT Center for Human Genetics Tuebingen
Classification: Uncertain significance. Last evaluated: 2024-02-01. Review status: criteria provided, single submitter. Criteria: CeGaT Center For Human Genetics Tuebingen Variant Classification Criteria Version 2. Collection method: clinical testing. Allele origin: germline. Affected: yes. Observed: 1 variant allele.
Comment: ARX: PM2, PP2

GeneDx
Classification: Uncertain significance. Last evaluated: 2016-10-28. Review status: criteria provided, single submitter. Criteria: GeneDx Variant Classification (06012015). Collection method: clinical testing. Allele origin: germline. Affected: yes.
Comment: The T271A variant in the ARX gene has not been reported previously as a pathogenic variant, nor as a benign variant, to our knowledge. This variant was not observed in approximately 6500 individuals of European and African American ancestry in the NHLBI Exome Sequencing Project, indicating it is not a common benign variant in these populations. The T271A variant is a non-conservative amino acid substitution, which is likely to impact secondary protein structure as these residues differ in polarity, charge, size and/or other properties. However, this substitution occurs at a position that is not conserved, and in silico analysis predicts this variant likely does not alter the protein structure/function. We interpret T271A as a variant of uncertain significance.

NM_139058.3(ARX):c.811A>G (p.Thr271Ala)

Gene: ARX (aristaless related homeobox; minus strand). Cytogenetic location: Xp21.3.
Variant type: single nucleotide variant.
Coding change: c.811A>G on transcript NM_139058.3 (MANE Select); coding-DNA position 811, A replaced by G.
Protein change: p.Thr271Ala; replaces threonine 271 with alanine.
Molecular consequence: missense variant.
Genome position (GRCh38, 1-based): chrX:25,013,184, T>C on the plus strand (A>G on the coding strand, the complement: ARX is on the minus strand). VCF-style: chrX-25013184-T-C. GRCh37 (hg19) VCF-style: chrX-25031301-T-C.
Other names: short protein forms T271A.
Identifiers: ClinVar variation 385462 (VCV000385462.24), dbSNP rs1057522232, ClinGen allele CA16608823.